The following is an entry in ClinVar:

ClinVar aggregate classification (germline): Conflicting classifications of pathogenicity. Review status: criteria provided, conflicting classifications (1 of 4 stars). 3 submissions from 3 submitters: Uncertain significance (1); Likely benign (2). Last evaluated 2025-07-09.

Conditions:
Familial thoracic aortic aneurysm and aortic dissection (TAAD). Also called: Thoracic aortic aneurysms and dissections. Identifiers: Orphanet 91387, MedGen C4707243, MONDO:0019625.
Congenital contractural arachnodactyly (CCA). Also called: BEALS SYNDROME; Beals-Hecht syndrome; Arthrogryposis, distal, type 9. Identifiers: Orphanet 115, MedGen C0220668, MONDO:0007363, OMIM 121050.

Allele frequency attached by ClinVar (database versions not stated): TOPMed 0.00002; ExAC 0.00003; gnomAD 0.00003.
gnomAD v4.1: 27 of 1,613,888 alleles (0.0017%); highest among the groups gnomAD compares: Middle Eastern, 0.016%; no homozygotes.

Submissions (3):

Ambry Genetics
Classification: Uncertain significance for Familial thoracic aortic aneurysm and aortic dissection. Last evaluated: 2025-07-09. Review status: criteria provided, single submitter. Criteria: Ambry Variant Classification Scheme 2023. Collection method: clinical testing. Allele origin: germline.
Comment: The p.R2846C variant (also known as c.8536C>T), located in coding exon 65 of the FBN2 gene, results from a C to T substitution at nucleotide position 8536. The arginine at codon 2846 is replaced by cysteine, an amino acid with highly dissimilar properties. This amino acid position is highly conserved in available vertebrate species. In addition, the in silico prediction for this alteration is inconclusive. Based on the available evidence, the clinical significance of this variant remains unclear.

Labcorp Genetics (formerly Invitae), Labcorp
Classification: Likely benign for Congenital contractural arachnodactyly. Last evaluated: 2023-12-09. Review status: criteria provided, single submitter. Criteria: Invitae Variant Classification Sherloc (09022015). Collection method: clinical testing. Allele origin: germline.

CeGaT Center for Human Genetics Tuebingen
Classification: Likely benign. Last evaluated: 2023-02-01. Review status: criteria provided, single submitter. Criteria: CeGaT Center For Human Genetics Tuebingen Variant Classification Criteria Version 2. Collection method: clinical testing. Allele origin: germline. Affected: yes. Observed: 1 variant allele.
Comment: FBN2: BP4, BS2

NM_001999.4(FBN2):c.8536C>T (p.Arg2846Cys)

Gene: FBN2 (fibrillin 2; minus strand). Cytogenetic location: 5q23.3.
Variant type: single nucleotide variant.
Coding change: c.8536C>T on transcript NM_001999.4 (MANE Select); coding-DNA position 8536, C replaced by T.
Protein change: p.Arg2846Cys; replaces arginine 2846 with cysteine.
Molecular consequence: missense variant.
Genome position (GRCh38, 1-based): chr5:128,259,658, G>A on the plus strand (C>T on the coding strand, the complement: FBN2 is on the minus strand). VCF-style: chr5-128259658-G-A. GRCh37 (hg19) VCF-style: chr5-127595350-G-A.
Other names: c.8536C>T (NM_001999.3); short protein forms R2846C.
Identifiers: ClinVar variation 2655679 (VCV002655679.28), dbSNP rs775873383, ClinGen allele CA3393791.